The following is an entry in ClinVar:

ClinVar aggregate classification (germline): Uncertain significance (1 of 4 stars; one submission).

Conditions:
Hereditary cancer-predisposing syndrome. Also called: Tumor predisposition; Hereditary neoplastic syndrome; Hereditary Cancer Syndrome; Neoplastic Syndromes, Hereditary. Identifiers: Orphanet 140162, MedGen C0027672, MeSH D009386, MONDO:0015356.

Submission:

Ambry Genetics
Classification: Uncertain significance for Hereditary cancer-predisposing syndrome. Last evaluated: 2024-02-28. Review status: criteria provided, single submitter. Criteria: Ambry Variant Classification Scheme 2023. Collection method: clinical testing. Allele origin: germline.
Comment: The p.H127Q variant (also known as c.381T>A), located in coding exon 5 of the SDHC gene, results from a T to A substitution at nucleotide position 381. The histidine at codon 127 is replaced by glutamine, an amino acid with highly similar properties. This amino acid position is highly conserved in available vertebrate species. In addition, this alteration is predicted to be deleterious by in silico analysis. Based on the available evidence, the clinical significance of this alteration remains unclear.

NM_003001.5(SDHC):c.381T>A (p.His127Gln)

Gene: SDHC (succinate dehydrogenase complex subunit C; plus strand). Cytogenetic location: 1q23.3.
Variant type: single nucleotide variant.
Coding change: c.381T>A on transcript NM_003001.5 (MANE Select); coding-DNA position 381, T replaced by A.
Protein change: p.His127Gln; replaces histidine 127 with glutamine.
Molecular consequence: missense variant. On other transcripts: non-coding transcript variant (1), intron variant (3).
Genome position (GRCh38, 1-based): chr1:161,356,816, T>A. VCF-style: chr1-161356816-T-A. GRCh37 (hg19) VCF-style: chr1-161326606-T-A.
Other names: c.279T>A, p.His93Gln (NM_001035512.3); c.222T>A, p.His74Gln (NM_001035513.3); c.501T>A, p.His167Gln (NM_001407115.1); c.324T>A, p.His108Gln (NM_001407116.1); c.318T>A, p.His106Gln (NM_001407117.1); c.273T>A, p.His91Gln (NM_001407118.1); c.270T>A, p.His90Gln (NM_001407119.1, NM_001407120.1); c.242-5513T>A (NM_001035511.3); and 2 more; short protein forms H106Q, H108Q, H127Q, H167Q, H74Q, H90Q, H91Q, H93Q.
Identifiers: ClinVar variation 3223030 (VCV003223030.1), dbSNP rs867566924, ClinGen allele CA343456691.